The following is an entry in ClinVar:

ClinVar aggregate classification (germline): Likely pathogenic (1 of 4 stars; one submission).

Submission:

GeneDx
Classification: Likely pathogenic. Last evaluated: 2018-01-10. Review status: criteria provided, single submitter. Criteria: GeneDx Variant Classification (06012015). Collection method: clinical testing. Allele origin: germline. Affected: yes.
Comment: The c.655-1G>C variant in the COL2A1 gene has been reported previously in an individual with Stickler syndrome type 1 and was also reported in two unaffected relatives (Richards et al., 2007). The c.655-1G>C variant was reported as a presumed de novo variant in another patient with Stickler syndrome type 1 (Ang et al., 2007). This splice site variant destroys the canonical splice acceptor site in intron 9. It is predicted to cause abnormal gene splicing, either leading to an abnormal message that is subject to nonsense-mediated mRNA decay, or to an abnormal protein product if the message is used for protein translation. The c.655-1G>C variant is not observed in large population cohorts (Lek et al., 2016). We interpret c.655-1G>C as a likely pathogenic variant.

NM_001844.5(COL2A1):c.655-1G>C

Gene: COL2A1 (collagen type II alpha 1 chain; minus strand). Cytogenetic location: 12q13.11.
Variant type: single nucleotide variant.
Coding change: c.655-1G>C on transcript NM_001844.5 (MANE Select); the canonical splice acceptor site of the intron before coding-DNA position 655, G replaced by C.
Molecular consequence: splice acceptor variant.
Genome position (GRCh38, 1-based): chr12:47,995,764, C>G on the plus strand (G>C on the coding strand, the complement: COL2A1 is on the minus strand). VCF-style: chr12-47995764-C-G. GRCh37 (hg19) VCF-style: chr12-48389547-C-G.
Other names: c.448-1G>C (NM_033150.3).
Identifiers: ClinVar variation 488808 (VCV000488808.2), dbSNP rs1555168840, ClinGen allele CA384523806.